The following is an entry in ClinVar:

ClinVar aggregate classification (germline): Uncertain significance (1 of 4 stars; one submission).

Conditions:
Cardiovascular phenotype. Identifiers: MedGen CN230736.

Submission:

Ambry Genetics
Classification: Uncertain significance for Cardiovascular phenotype. Last evaluated: 2024-03-07. Review status: criteria provided, single submitter. Criteria: Ambry Variant Classification Scheme 2023. Collection method: clinical testing. Allele origin: germline.
Comment: The p.E616K variant (also known as c.1846G>A), located in coding exon 8 of the AKAP9 gene, results from a G to A substitution at nucleotide position 1846. The glutamic acid at codon 616 is replaced by lysine, an amino acid with similar properties. This amino acid position is conserved. In addition, the in silico prediction for this alteration is inconclusive. Based on the available evidence, the clinical significance of this alteration remains unclear.

NM_005751.5(AKAP9):c.1846G>A (p.Glu616Lys)

Gene: AKAP9 (A-kinase anchoring protein 9; plus strand). Cytogenetic location: 7q21.2.
Variant type: single nucleotide variant.
Coding change: c.1846G>A on transcript NM_005751.5 (MANE Select); coding-DNA position 1846, G replaced by A.
Protein change: p.Glu616Lys; replaces glutamic acid 616 with lysine.
Molecular consequence: missense variant.
Genome position (GRCh38, 1-based): chr7:92,001,763, G>A. VCF-style: chr7-92001763-G-A. GRCh37 (hg19) VCF-style: chr7-91631077-G-A.
Other names: c.1846G>A, p.Glu616Lys (NM_147185.3); short protein forms E616K.
Identifiers: ClinVar variation 3225021 (VCV003225021.1), dbSNP rs2484691423, ClinGen allele CA368122725.